The following is an entry in ClinVar:

NM_017837.4(PIGV):c.1405C>T (p.Arg469Ter)

Gene: PIGV (phosphatidylinositol glycan anchor biosynthesis class V; plus strand). Cytogenetic location: 1p36.11.
Variant type: single nucleotide variant.
Coding change: c.1405C>T on transcript NM_017837.4 (MANE Select); coding-DNA position 1405, C replaced by T.
Protein change: p.Arg469Ter; replaces arginine 469 with a stop codon.
Molecular consequence: nonsense. On other transcripts: non-coding transcript variant (2).
Genome position (GRCh38, 1-based): chr1:26,797,767, C>T. VCF-style: chr1-26797767-C-T. GRCh37 (hg19) VCF-style: chr1-27124258-C-T.
Other names: c.1405C>T, p.Arg469Ter (NM_001202554.2, NM_001374478.1, NM_001374480.1 and 2 more transcripts); c.1024C>T, p.Arg342Ter (NM_001374483.1); c.778C>T, p.Arg260Ter (NM_001374484.1, NM_001374485.1); c.283C>T, p.Arg95Ter (NM_001374486.1); short protein forms R342*, R469*, R260*, R95*.
Identifiers: ClinVar variation 1448499 (VCV001448499.7), dbSNP rs770220740, ClinGen allele CA708222.

ClinVar aggregate classification (germline): Uncertain significance (1 of 4 stars; one submission).

Submission:

Labcorp Genetics (formerly Invitae), Labcorp
Classification: Uncertain significance. Last evaluated: 2021-01-04. Review status: criteria provided, single submitter. Criteria: Invitae Variant Classification Sherloc (09022015). Collection method: clinical testing. Allele origin: germline.
Comment: In summary, the available evidence is currently insufficient to determine the role of this variant in disease. Therefore, it has been classified as a Variant of Uncertain Significance. This variant has been observed in individual(s) with PIGV-related conditions (PMID: 24129430). In at least one individual the data is consistent with the variant being in trans (on the opposite chromosome) from a pathogenic variant. This variant is present in population databases (rs770220740, ExAC 0.009%). This sequence change creates a premature translational stop signal (p.Arg469*) in the PIGV gene. While this is not anticipated to result in nonsense mediated decay, it is expected to disrupt the last 25 amino acid(s) of the PIGV protein.

Literature cited by the submitters: PubMed 24129430.